The following is an entry in ClinVar:

ClinVar aggregate classification (germline): Benign. Review status: criteria provided, multiple submitters, no conflicts (2 of 4 stars). 3 submissions from 3 submitters: Benign (3). Last evaluated 2026-01-27.

Allele frequency attached by ClinVar (database versions not stated): ESP Exome Variant Server 0.00092; gnomAD 0.01510 and 0.01555; TOPMed 0.02765; ExAC 0.03101; 1000 Genomes Project 0.02496; 1000 Genomes Project 30x 0.02764.
gnomAD v4.1: 14,245 of 1,604,466 alleles (0.89%); highest among the groups gnomAD compares: Admixed American, 22%; 1,669 homozygotes.

Submissions (3):

Labcorp Genetics (formerly Invitae), Labcorp
Classification: Benign. Last evaluated: 2026-01-27. Review status: criteria provided, single submitter. Criteria: Invitae Variant Classification Sherloc (09022015). Collection method: clinical testing. Allele origin: germline.

GeneDx
Classification: Benign. Last evaluated: 2013-10-14. Review status: criteria provided, single submitter. Criteria: GeneDx Variant Classification (06012015). Collection method: clinical testing. Allele origin: germline. Affected: yes.
Comment: This variant is considered likely benign or benign based on one or more of the following criteria: it is a conservative change, it occurs at a poorly conserved position in the protein, it is predicted to be benign by multiple in silico algorithms, and/or has population frequency not consistent with disease.

Breakthrough Genomics
Classification: Benign. Review status: criteria provided, single submitter. Criteria: ACMG Guidelines, 2015. Collection method: not provided. Allele origin: germline. Inheritance: Unknown mechanism. Affected: yes.

NM_144736.5(NDUFAF7):c.790C>A (p.Gln264Lys)

Gene: NDUFAF7 (NADH:ubiquinone oxidoreductase complex assembly factor 7; plus strand). Cytogenetic location: 2p22.2.
Variant type: single nucleotide variant.
Coding change: c.790C>A on transcript NM_144736.5 (MANE Select); coding-DNA position 790, C replaced by A.
Protein change: p.Gln264Lys; replaces glutamine 264 with lysine.
Molecular consequence: missense variant. On other transcripts: non-coding transcript variant (10).
Genome position (GRCh38, 1-based): chr2:37,243,971, C>A. VCF-style: chr2-37243971-C-A. GRCh37 (hg19) VCF-style: chr2-37471114-C-A.
Other names: p.Q264K:CAA>AAA; c.496C>A, p.Gln166Lys (NM_001083946.2); c.790C>A, p.Gln264Lys (NM_001350024.2); c.709C>A, p.Gln237Lys (NM_001350025.2); c.577C>A, p.Gln193Lys (NM_001350027.2); short protein forms Q166K, Q264K, Q193K, Q237K.
Identifiers: ClinVar variation 138464 (VCV000138464.10), dbSNP rs139125264, ClinGen allele CA292465.